The following is an entry in ClinVar:

ClinVar aggregate classification (germline): Likely benign. Review status: criteria provided, multiple submitters, no conflicts (2 of 4 stars). 3 submissions from 3 submitters: Likely benign (2). 1 of the submissions does not count toward it. Last evaluated 2022-05-13.

Conditions:
LOX-related disorder. Also called: LOX-related disorders; LOX-related condition.
Cardiovascular phenotype. Identifiers: MedGen CN230736.

Allele frequency attached by ClinVar (database versions not stated): gnomAD exomes below 0.00001; ExAC 0.00001; gnomAD 0.00001.
gnomAD v4.1: 6 of 1,613,736 alleles (0.00037%); highest among the groups gnomAD compares: Non-Finnish European, 0.000085%; no homozygotes.

Submissions (3):

Labcorp Genetics (formerly Invitae), Labcorp
Classification: Likely benign. Last evaluated: 2022-05-13. Review status: criteria provided, single submitter. Criteria: Invitae Variant Classification Sherloc (09022015). Collection method: clinical testing. Allele origin: germline.

Ambry Genetics
Classification: Likely benign for Cardiovascular phenotype. Last evaluated: 2019-08-19. Review status: criteria provided, single submitter. Criteria: Ambry Variant Classification Scheme 2023. Collection method: clinical testing. Allele origin: germline.

PreventionGenetics, part of Exact Sciences
Classification: Likely benign for LOX-related condition. Last evaluated: 2022-01-04. Review status: no assertion criteria provided. Collection method: clinical testing. Allele origin: germline. Not counted in ClinVar's aggregate classification.
Comment: This variant is classified as likely benign based on ACMG/AMP sequence variant interpretation guidelines (Richards et al. 2015 PMID: 25741868, with internal and published modifications).

NM_002317.7(LOX):c.822A>G (p.Thr274=)

Genes: LOX (lysyl oxidase; minus strand), SRFBP1 (serum response factor binding protein 1; plus strand). Cytogenetic location: 5q23.1.
Variant type: single nucleotide variant.
Coding change: c.822A>G on transcript NM_002317.7 (MANE Select); coding-DNA position 822, A replaced by G.
Protein change: p.Thr274=; no amino-acid change (threonine 274 retained).
Molecular consequence: synonymous variant. On other transcripts: 5 prime UTR variant (1).
Genome position (GRCh38, 1-based): chr5:122,075,460, T>C on the plus strand (A>G on the coding strand, the complement: LOX is on the minus strand). VCF-style: chr5-122075460-T-C. GRCh37 (hg19) VCF-style: chr5-121411155-T-C.
Other names: c.822A>G (NM_002317.6); c.132A>G, p.Thr44= (NM_001178102.2); c.-70A>G (NM_001317073.1).
Identifiers: ClinVar variation 1762533 (VCV001762533.9), dbSNP rs758372464, ClinGen allele CA3383930.
Genomic context (GRCh38, chr5:122,075,460, plus strand): 5'-TTACTGATGACAACTGTGCCATTCCCAGGAATATCTTGGTCGGCTGGGTAAGAAATCTGA[T>C]GTCCCTTGGTTTTTCACTCTTTGGGGAAATCTGAGCAGCACCCTGTGATCATAATCTCTG-3'
Protein context (NP_002308.2, residues 264-284): RFPQRVKNQG[Thr274=]SDFLPSRPRY